The following is an entry in ClinVar:

ClinVar aggregate classification (germline): Uncertain significance (1 of 4 stars; one submission).

Conditions:
OCA2-related disorder. Also called: OCA2-related condition.

Submission:

PreventionGenetics, part of Exact Sciences
Classification: Uncertain significance for OCA2-related condition. Last evaluated: 2026-08-19. Review status: criteria provided, single submitter. Criteria: ACMG Guidelines, 2015. Collection method: clinical testing. Allele origin: germline.
Comment: The OCA2 c.2150A>G variant is predicted to result in the amino acid substitution p.Glu717Gly. To our knowledge, this variant has not been reported in the literature or in a large population database (gnomAD), indicating this variant is rare. At this time, the clinical significance of this variant is uncertain due to the absence of conclusive functional and genetic evidence.

NM_000275.3(OCA2):c.2150A>G (p.Glu717Gly)

Gene: OCA2 (OCA2 melanosomal transmembrane protein; minus strand). Cytogenetic location: 15q13.1.
Variant type: single nucleotide variant.
Coding change: c.2150A>G on transcript NM_000275.3 (MANE Select); coding-DNA position 2150, A replaced by G.
Protein change: p.Glu717Gly; replaces glutamic acid 717 with glycine.
Molecular consequence: missense variant.
Genome position (GRCh38, 1-based): chr15:27,871,248, T>C on the plus strand (A>G on the coding strand, the complement: OCA2 is on the minus strand). VCF-style: chr15-27871248-T-C. GRCh37 (hg19) VCF-style: chr15-28116394-T-C.
Other names: c.2078A>G, p.Glu693Gly (NM_001300984.2); short protein forms E717G, E693G.
Identifiers: ClinVar variation 4984894 (VCV004984894.1).